The following is an entry in ClinVar:

ClinVar aggregate classification (germline): Conflicting classifications of pathogenicity. Review status: criteria provided, conflicting classifications (1 of 4 stars). 6 submissions from 4 submitters: Uncertain significance (2); Likely benign (2). 2 of the submissions do not count toward it. Last evaluated 2025-10-08.

Conditions:
Age related macular degeneration 5. Identifiers: MedGen C3151063, MONDO:0013409, OMIM 613761.
Cockayne syndrome type 2 (CSB). Also called: Cockayne Syndrome, Type II; COCKAYNE SYNDROME B. Identifiers: Orphanet 191, Orphanet 90322, MedGen C0751038, MONDO:0019570, OMIM 133540.
Cerebrooculofacioskeletal syndrome 1 (COFS1). Also called: Cerebro-oculo-facio-skeletal syndrome 1. Identifiers: MedGen C0220722, MONDO:0008955, OMIM 214150.

Allele frequency attached by ClinVar (database versions not stated): gnomAD exomes 0.00016; ExAC 0.00019; 1000 Genomes Project 0.00040; gnomAD 0.00052 and 0.00056; ESP Exome Variant Server 0.00054; TOPMed 0.00057; 1000 Genomes Project 30x 0.00062.
gnomAD v4.1: 175 of 1,613,904 alleles (0.011%); highest among the groups gnomAD compares: African/African-American, 0.19%; no homozygotes.

Submissions (6):

Labcorp Genetics (formerly Invitae), Labcorp
Classification: Likely benign. Last evaluated: 2025-10-08. Review status: criteria provided, single submitter. Criteria: Invitae Variant Classification Sherloc (09022015). Collection method: clinical testing. Allele origin: germline.

Illumina Laboratory Services, Illumina
Classification: Likely benign for Age related macular degeneration 5. Last evaluated: 2018-01-12. Review status: criteria provided, single submitter. Criteria: ICSL Variant Classification Criteria 13 December 2019. Collection method: clinical testing. Allele origin: germline.
Comment: This variant was observed in the ICSL laboratory as part of a predisposition screen in an ostensibly healthy population. It had not been previously curated by ICSL or reported in the Human Gene Mutation Database (HGMD: prior to June 1st, 2018), and was therefore a candidate for classification through an automated scoring system. Utilizing variant allele frequency, disease prevalence and penetrance estimates, and inheritance mode, an automated score was calculated to assess if this variant is too frequent to cause the disease. Based on the score and internal cut-off values, a variant classified as likely benign is not then subjected to further curation. The score for this variant resulted in a classification of likely benign for this disease.

Illumina Laboratory Services, Illumina
Classification: Uncertain significance for Cockayne syndrome type 2. Last evaluated: 2018-01-12. Review status: criteria provided, single submitter. Criteria: ICSL Variant Classification Criteria 13 December 2019. Collection method: clinical testing. Allele origin: germline.

Illumina Laboratory Services, Illumina
Classification: Uncertain significance for Cerebrooculofacioskeletal syndrome 1. Last evaluated: 2018-01-12. Review status: criteria provided, single submitter. Criteria: ICSL Variant Classification Criteria 13 December 2019. Collection method: clinical testing. Allele origin: germline.

Clinical Genetics DNA and cytogenetics Diagnostics Lab, Erasmus MC, Erasmus Medical Center
Classification: Likely benign. Review status: no assertion criteria provided. Collection method: clinical testing. Allele origin: germline. Affected: yes. Study: VKGL Data-share Consensus. Not counted in ClinVar's aggregate classification.

Genome Diagnostics Laboratory, University Medical Center Utrecht
Classification: Likely benign. Review status: no assertion criteria provided. Collection method: clinical testing. Allele origin: germline. Affected: yes. Study: VKGL Data-share Consensus. Not counted in ClinVar's aggregate classification.

NM_000124.4(ERCC6):c.1992+7C>T

Gene: ERCC6 (ERCC excision repair 6, chromatin remodeling factor; minus strand). Cytogenetic location: 10q11.23.
Variant type: single nucleotide variant.
Coding change: c.1992+7C>T on transcript NM_000124.4 (MANE Select); 7 bases into the intron after coding-DNA position 1992, C replaced by T.
Molecular consequence: intron variant.
Genome position (GRCh38, 1-based): chr10:49,483,339, G>A on the plus strand (C>T on the coding strand, the complement: ERCC6 is on the minus strand). VCF-style: chr10-49483339-G-A. GRCh37 (hg19) VCF-style: chr10-50691385-G-A.
Other names: c.1992+7C>T (NM_001346440.2).
Identifiers: ClinVar variation 300075 (VCV000300075.17), dbSNP rs373710355, ClinGen allele CA5495811.